The following is an entry in ClinVar:

NM_014639.4(SKIC3):c.4237C>G (p.Gln1413Glu)

Gene: SKIC3 (SKI3 subunit of superkiller complex; minus strand). Cytogenetic location: 5q15.
Variant type: single nucleotide variant.
Coding change: c.4237C>G on transcript NM_014639.4 (MANE Select); coding-DNA position 4237, C replaced by G.
Protein change: p.Gln1413Glu; replaces glutamine 1413 with glutamic acid.
Molecular consequence: missense variant.
Genome position (GRCh38, 1-based): chr5:95,478,418, G>C on the plus strand (C>G on the coding strand, the complement: SKIC3 is on the minus strand). VCF-style: chr5-95478418-G-C. GRCh37 (hg19) VCF-style: chr5-94814122-G-C.
Other names: short protein forms Q1413E.
Identifiers: ClinVar variation 1926533 (VCV001926533.5), dbSNP rs2530684652, ClinGen allele CA360443086.

ClinVar aggregate classification (germline): Uncertain significance (1 of 4 stars; one submission).

Submission:

Labcorp Genetics (formerly Invitae), Labcorp
Classification: Uncertain significance. Last evaluated: 2022-01-17. Review status: criteria provided, single submitter. Criteria: Invitae Variant Classification Sherloc (09022015). Collection method: clinical testing. Allele origin: germline.
Comment: This sequence change replaces glutamine, which is neutral and polar, with glutamic acid, which is acidic and polar, at codon 1413 of the TTC37 protein (p.Gln1413Glu). In summary, the available evidence is currently insufficient to determine the role of this variant in disease. Therefore, it has been classified as a Variant of Uncertain Significance. Algorithms developed to predict the effect of missense changes on protein structure and function are either unavailable or do not agree on the potential impact of this missense change (SIFT: "Tolerated"; PolyPhen-2: "Probably Damaging"; Align-GVGD: "Class C0"). This variant has not been reported in the literature in individuals affected with TTC37-related conditions. This variant is not present in population databases (gnomAD no frequency).